The following is an entry in ClinVar:

NM_207363.3(NCKAP5):c.5703C>T (p.Ser1901=)

Gene: NCKAP5 (NCK associated protein 5; minus strand). Cytogenetic location: 2q21.2.
Variant type: single nucleotide variant.
Coding change: c.5703C>T on transcript NM_207363.3 (MANE Select); coding-DNA position 5703, C replaced by T.
Protein change: p.Ser1901=; no amino-acid change (serine 1901 retained).
Molecular consequence: synonymous variant.
Genome position (GRCh38, 1-based): chr2:132,725,637, G>A on the plus strand (C>T on the coding strand, the complement: NCKAP5 is on the minus strand). VCF-style: chr2-132725637-G-A. GRCh37 (hg19) VCF-style: chr2-133483210-G-A.
Other names: c.1746C>T, p.Ser582= (NM_207481.4).
Identifiers: ClinVar variation 4083784 (VCV004083784.8).

ClinVar aggregate classification (germline): Likely benign (1 of 4 stars; one submission).

gnomAD v4.1: 2,371 of 1,609,768 alleles (0.15%); highest among the groups gnomAD compares: Non-Finnish European, 0.19%; 4 homozygotes.

Submission:

CeGaT Center for Human Genetics Tuebingen
Classification: Likely benign. Last evaluated: 2025-08-01. Review status: criteria provided, single submitter. Criteria: CeGaT Center For Human Genetics Tuebingen Variant Classification Criteria Version 2. Collection method: clinical testing. Allele origin: germline. Affected: yes. Observed: 1 variant allele.
Comment: NCKAP5: BP4, BP7